The following is an entry in ClinVar:

ClinVar aggregate classification (germline): Uncertain significance. Review status: criteria provided, single submitter (1 of 4 stars). 2 submissions from 2 submitters: Uncertain significance (1). 1 of the submissions does not count toward it. Last evaluated 2021-07-06.

Conditions:
STARD9-related disorder. Also called: STARD9-related condition.

Allele frequency attached by ClinVar (database versions not stated): 1000 Genomes Project 30x 0.00016; 1000 Genomes Project 0.00020; ExAC 0.00036; gnomAD 0.00081; TOPMed 0.00082; ESP Exome Variant Server 0.00110; gnomAD exomes 0.00138.
gnomAD v4.1: 2,028 of 1,537,170 alleles (0.13%); highest among the groups gnomAD compares: Non-Finnish European, 0.17%; 3 homozygotes.

Submissions (2):

Ambry Genetics
Classification: Uncertain significance. Last evaluated: 2021-07-06. Review status: criteria provided, single submitter. Criteria: Ambry Variant Classification Scheme 2023. Collection method: clinical testing. Allele origin: germline.

PreventionGenetics, part of Exact Sciences
Classification: Likely benign for STARD9-related condition. Last evaluated: 2022-10-28. Review status: no assertion criteria provided. Collection method: clinical testing. Allele origin: germline. Not counted in ClinVar's aggregate classification.
Comment: This variant is classified as likely benign based on ACMG/AMP sequence variant interpretation guidelines (Richards et al. 2015 PMID: 25741868, with internal and published modifications).

NM_020759.3(STARD9):c.158A>G (p.Lys53Arg)

Gene: STARD9 (StAR related lipid transfer domain containing 9; plus strand). Cytogenetic location: 15q15.2.
Variant type: single nucleotide variant.
Coding change: c.158A>G on transcript NM_020759.3 (MANE Select); coding-DNA position 158, A replaced by G.
Protein change: p.Lys53Arg; replaces lysine 53 with arginine.
Molecular consequence: missense variant.
Genome position (GRCh38, 1-based): chr15:42,585,561, A>G. VCF-style: chr15-42585561-A-G. GRCh37 (hg19) VCF-style: chr15-42877759-A-G.
Other names: short protein forms K53R.
Identifiers: ClinVar variation 2350746 (VCV002350746.4), dbSNP rs201701873, ClinGen allele CA7513938.
Genomic context (GRCh38, chr15:42,585,561, plus strand): 5'-GATCCTATGTTTGATTTTAGGTGGACAATCGACCAGATGGCTTTGGGGACTCCCGGGAGA[A>G]GGTTATGGCATTTGGCTTTGATTACTGCTACTGGTCAGTCAACCCAGAGGATCCCCAGTA-3'
Protein context (NP_065810.2, residues 43-63): RPDGFGDSRE[Lys53Arg]VMAFGFDYCY